The following is an entry in ClinVar:

NM_013382.7(POMT2):c.232G>T (p.Glu78Ter)

Gene: POMT2 (protein O-mannosyltransferase 2; minus strand). Cytogenetic location: 14q24.3.
Variant type: single nucleotide variant.
Coding change: c.232G>T on transcript NM_013382.7 (MANE Select); coding-DNA position 232, G replaced by T.
Protein change: p.Glu78Ter; replaces glutamic acid 78 with a stop codon.
Molecular consequence: nonsense.
Genome position (GRCh38, 1-based): chr14:77,320,450, C>A on the plus strand (G>T on the coding strand, the complement: POMT2 is on the minus strand). VCF-style: chr14-77320450-C-A. GRCh37 (hg19) VCF-style: chr14-77786793-C-A.
Other names: short protein forms E78*.
Identifiers: ClinVar variation 3762516 (VCV003762516.2).

ClinVar aggregate classification (germline): Pathogenic (1 of 4 stars; one submission).

Conditions:
Muscular dystrophy-dystroglycanopathy (congenital with brain and eye anomalies), type A2. Also called: MUSCULAR DYSTROPHY-DYSTROGLYCANOPATHY (CONGENITAL WITH BRAIN AND EYE ANOMALIES), TYPE A, 2; WALKER-WARBURG SYNDROME OR MUSCLE-EYE-BRAIN DISEASE, POMT2-RELATED. Identifiers: Orphanet 588, Orphanet 899, MedGen C3150411, MONDO:0013154, OMIM 613150.
Autosomal recessive limb-girdle muscular dystrophy type 2N. Also called: MUSCULAR DYSTROPHY-DYSTROGLYCANOPATHY, LIMB-GIRDLE, POMT2-RELATED; Muscular dystrophy-dystroglycanopathy (limb-girdle), type C, 2. Identifiers: Orphanet 206559, MedGen C3150418, MONDO:0013162, OMIM 613158.
Muscular dystrophy-dystroglycanopathy (congenital with impaired intellectual development), type B, 2. Also called: MUSCULAR DYSTROPHY, CONGENITAL, POMT2-RELATED; Muscular dystrophy-dystroglycanopathy (congenital with intellectual disability), type B2. Identifiers: MedGen C3150416, MONDO:0013160, OMIM 613156.

gnomAD v4.1: 6 of 1,546,246 alleles (0.00039%); highest among the groups gnomAD compares: Non-Finnish European, 0.00052%; no homozygotes.

Submission:

Labcorp Genetics (formerly Invitae), Labcorp
Classification: Pathogenic for Muscular dystrophy-dystroglycanopathy (congenital with impaired intellectual development), type B, 2; Muscular dystrophy-dystroglycanopathy (congenital with brain and eye anomalies), type A2; Autosomal recessive limb-girdle muscular dystrophy type 2N. Last evaluated: 2024-07-08. Review status: criteria provided, single submitter. Criteria: Invitae Variant Classification Sherloc (09022015). Collection method: clinical testing. Allele origin: germline.
Comment: This sequence change creates a premature translational stop signal (p.Glu78*) in the POMT2 gene. It is expected to result in an absent or disrupted protein product. Loss-of-function variants in POMT2 are known to be pathogenic (PMID: 15894594). The frequency data for this variant in the population databases is considered unreliable, as metrics indicate poor data quality at this position in the gnomAD database. This variant has not been reported in the literature in individuals affected with POMT2-related conditions. For these reasons, this variant has been classified as Pathogenic.

Literature cited by the submitters: PubMed 15894594.